The following is an entry in ClinVar:

NM_001291303.3(FAT4):c.13601A>G (p.Lys4534Arg)

Gene: FAT4 (FAT atypical cadherin 4; plus strand). Cytogenetic location: 4q28.1.
Variant type: single nucleotide variant.
Coding change: c.13601A>G on transcript NM_001291303.3 (MANE Select); coding-DNA position 13601, A replaced by G.
Protein change: p.Lys4534Arg; replaces lysine 4534 with arginine.
Molecular consequence: missense variant.
Genome position (GRCh38, 1-based): chr4:125,490,417, A>G. VCF-style: chr4-125490417-A-G. GRCh37 (hg19) VCF-style: chr4-126411572-A-G.
Other names: c.13601A>G (NM_001291303.1); c.13595A>G (NM_024582.4); c.13598A>G, p.Lys4533Arg (NM_001291285.3); c.13595A>G, p.Lys4532Arg (NM_024582.6); short protein forms K4532R, K4534R, K4533R.
Identifiers: ClinVar variation 1357941 (VCV001357941.21), dbSNP rs749145679, ClinGen allele CA3074397.

ClinVar aggregate classification (germline): Uncertain significance. Review status: criteria provided, multiple submitters, no conflicts (2 of 4 stars). 5 submissions from 5 submitters: Uncertain significance (5). Last evaluated 2026-01-17.

Conditions:
Inborn genetic diseases. Identifiers: MedGen C0950123, MeSH D030342.
FAT4-related disorder. Also called: FAT4-related condition.

Allele frequency attached by ClinVar (database versions not stated): gnomAD 0.00002; ExAC 0.00003.
gnomAD v4.1: 34 of 1,613,988 alleles (0.0021%); highest among the groups gnomAD compares: South Asian, 0.0066%; no homozygotes.

Submissions (5):

Labcorp Genetics (formerly Invitae), Labcorp
Classification: Uncertain significance. Last evaluated: 2026-01-17. Review status: criteria provided, single submitter. Criteria: Invitae Variant Classification Sherloc (09022015). Collection method: clinical testing. Allele origin: germline.
Comment: This sequence change replaces lysine, which is basic and polar, with arginine, which is basic and polar, at codon 4532 of the FAT4 protein (p.Lys4532Arg). This variant is present in population databases (rs749145679, gnomAD 0.01%). This variant has not been reported in the literature in individuals affected with FAT4-related conditions. ClinVar contains an entry for this variant (Variation ID: 1357941). Invitae Evidence Modeling of protein sequence and biophysical properties (such as structural, functional, and spatial information, amino acid conservation, physicochemical variation, residue mobility, and thermodynamic stability) indicates that this missense variant is not expected to disrupt FAT4 protein function with a negative predictive value of 80%. In summary, the available evidence is currently insufficient to determine the role of this variant in disease. Therefore, it has been classified as a Variant of Uncertain Significance.

PreventionGenetics, part of Exact Sciences
Classification: Uncertain significance for FAT4-related condition. Last evaluated: 2025-10-18. Review status: criteria provided, single submitter. Criteria: ACMG Guidelines, 2015. Collection method: clinical testing. Allele origin: germline.
Comment: The FAT4 c.13601A>G variant is predicted to result in the amino acid substitution p.Lys4534Arg. To our knowledge, this variant has not been reported in the literature. This variant is reported in 0.0098% of alleles in individuals of South Asian descent in gnomAD. At this time, the clinical significance of this variant is uncertain due to the absence of conclusive functional and genetic evidence.

Ambry Genetics
Classification: Uncertain significance for Inborn genetic diseases. Last evaluated: 2024-10-09. Review status: criteria provided, single submitter. Criteria: Ambry Variant Classification Scheme 2023. Collection method: clinical testing. Allele origin: germline.

CeGaT Center for Human Genetics Tuebingen
Classification: Uncertain significance. Last evaluated: 2024-09-01. Review status: criteria provided, single submitter. Criteria: CeGaT Center For Human Genetics Tuebingen Variant Classification Criteria Version 2. Collection method: clinical testing. Allele origin: germline. Affected: yes. Observed: 1 variant allele.
Comment: FAT4: PM2:Supporting, PM3:Supporting, BP4

Blueprint Genetics
Classification: Uncertain significance. Last evaluated: 2022-07-17. Review status: criteria provided, single submitter. Criteria: ACMG Guidelines, 2015. Collection method: clinical testing. Allele origin: germline.